The following is an entry in ClinVar:

NM_001378183.1(PIEZO2):c.4129T>G (p.Tyr1377Asp)

Gene: PIEZO2 (piezo type mechanosensitive ion channel component 2; minus strand). Cytogenetic location: 18p11.22.
Variant type: single nucleotide variant.
Coding change: c.4129T>G on transcript NM_001378183.1 (MANE Select); coding-DNA position 4129, T replaced by G.
Protein change: p.Tyr1377Asp; replaces tyrosine 1377 with aspartic acid.
Molecular consequence: missense variant.
Genome position (GRCh38, 1-based): chr18:10,752,674, A>C on the plus strand (T>G on the coding strand, the complement: PIEZO2 is on the minus strand). VCF-style: chr18-10752674-A-C. GRCh37 (hg19) VCF-style: chr18-10752672-A-C.
Other names: c.4129T>G, p.Tyr1377Asp (NM_001410871.1); c.4054T>G, p.Tyr1352Asp (NM_022068.4); short protein forms Y1352D, Y1377D.
Identifiers: ClinVar variation 1710744 (VCV001710744.2), dbSNP rs1249145254, ClinGen allele CA401919680.

ClinVar aggregate classification (germline): Uncertain significance (1 of 4 stars; one submission).

Submission:

GeneDx
Classification: Uncertain significance. Last evaluated: 2022-04-13. Review status: criteria provided, single submitter. Criteria: GeneDx Variant Classification Process June 2021. Collection method: clinical testing. Allele origin: germline. Affected: yes.
Comment: Not observed at significant frequency in large population cohorts (gnomAD); In silico analysis supports that this missense variant has a deleterious effect on protein structure/function; Has not been previously published as pathogenic or benign to our knowledge